The following is an entry in ClinVar:

ClinVar aggregate classification (germline): Uncertain significance (1 of 4 stars; one submission).

gnomAD v4.1: 1 of 1,613,756 alleles (0.000062%); highest among the groups gnomAD compares: Non-Finnish European, 0.000085%; no homozygotes.

Submission:

GeneDx
Classification: Uncertain significance. Last evaluated: 2024-08-29. Review status: criteria provided, single submitter. Criteria: GeneDx Variant Classification Process June 2021. Collection method: clinical testing. Allele origin: germline. Affected: yes.
Comment: Not observed at significant frequency in large population cohorts (gnomAD); In silico analysis indicates that this missense variant does not alter protein structure/function; Has not been previously published as pathogenic or benign to our knowledge

NM_001318852.2(MAPK8IP3):c.1219G>A (p.Glu407Lys)

Gene: MAPK8IP3 (mitogen-activated protein kinase 8 interacting protein 3; plus strand). Cytogenetic location: 16p13.3.
Variant type: single nucleotide variant.
Coding change: c.1219G>A on transcript NM_001318852.2 (MANE Select); coding-DNA position 1219, G replaced by A.
Protein change: p.Glu407Lys; replaces glutamic acid 407 with lysine.
Molecular consequence: missense variant.
Genome position (GRCh38, 1-based): chr16:1,758,150, G>A. VCF-style: chr16-1758150-G-A. GRCh37 (hg19) VCF-style: chr16-1808151-G-A.
Other names: c.1216G>A, p.Glu406Lys (NM_001040439.2, NM_015133.5); short protein forms E406K, E407K.
Identifiers: ClinVar variation 3765983 (VCV003765983.1).